The following is an entry in ClinVar:

NC_000006.11:g.(?_65523280)_(65527746_?)del

Gene: EYS (eyes shut homolog; minus strand). Cytogenetic location: 6q12.
Variant type: Deletion.
Identifiers: ClinVar variation 3246146 (VCV003246146.1).

ClinVar aggregate classification (germline): Likely pathogenic (1 of 4 stars; one submission).

Submission:

Labcorp Genetics (formerly Invitae), Labcorp
Classification: Likely pathogenic. Last evaluated: 2023-04-30. Review status: criteria provided, single submitter. Criteria: Invitae Variant Classification Sherloc (09022015). Collection method: clinical testing. Allele origin: unknown.
Comment: In summary, the currently available evidence indicates that the variant is pathogenic, but additional data are needed to prove that conclusively. Therefore, this variant has been classified as Likely Pathogenic. This variant has not been reported in the literature in individuals affected with EYS-related conditions. This variant results in the deletion of part of exon 22 (c.3243+3792_3434del) of the EYS gene. It is expected to disrupt RNA splicing. Variants that disrupt the donor or acceptor splice site typically lead to a loss of protein function (PMID: 16199547), and loss-of-function variants in EYS are known to be pathogenic (PMID: 18836446, 20333770).

Literature cited by the submitters: PubMed 16199547; PubMed 18836446; PubMed 20333770.